The following is an entry in ClinVar:

ClinVar aggregate classification (germline): Uncertain significance (1 of 4 stars; one submission).

Conditions:
Dyskeratosis congenita, autosomal dominant 1 (DKCA1). Also called: Dyskeratosis congenita Scoggins type. Identifiers: Orphanet 1775, MedGen C4551974, MONDO:0007485, OMIM 127550. Inheritance: Variable.

Allele frequency attached by ClinVar (database versions not stated): gnomAD exomes below 0.00001.
gnomAD v4.1: 1 of 756,070 alleles (0.00013%); highest among the groups gnomAD compares: East Asian, 0.0025%; no homozygotes.

Submission:

Labcorp Genetics (formerly Invitae), Labcorp
Classification: Uncertain significance for Dyskeratosis congenita, autosomal dominant 1. Last evaluated: 2022-03-08. Review status: criteria provided, single submitter. Criteria: Invitae Variant Classification Sherloc (09022015). Collection method: clinical testing. Allele origin: germline.
Comment: This variant occurs in the TERC gene, which encodes an RNA molecule that does not result in a protein product. This variant is not present in population databases (gnomAD no frequency). This variant has not been reported in the literature in individuals affected with TERC-related conditions. ClinVar contains an entry for this variant (Variation ID: 1056675). Algorithms developed to predict the effect of sequence changes on RNA splicing suggest that this variant may create or strengthen a splice site. This variant is located within the BoxH/ACA scaRNA domain of the TERC RNA component, which is required for telomerase activity (PMID: 21844345). In summary, the available evidence is currently insufficient to determine the role of this variant in disease. Therefore, it has been classified as a Variant of Uncertain Significance.

Literature cited by the submitters: PubMed 21844345.

NC_000003.12:g.169764723G>A

Genes: TERC (telomerase RNA component; minus strand), LOC110806306 (telomerase RNA component (TERC) promoter; plus strand). Cytogenetic location: 3q26.2.
Variant type: single nucleotide variant.
Genome position: GRCh38 VCF-style: chr3-169764723-G-A. GRCh37 (hg19) VCF-style: chr3-169482511-G-A.
Identifiers: ClinVar variation 1056675 (VCV001056675.9), dbSNP rs935100722, ClinGen allele CA87623887.